The following is an entry in ClinVar:

NM_000236.3(LIPC):c.67C>T (p.Leu23Phe)

Gene: LIPC (lipase C, hepatic type; plus strand). Cytogenetic location: 15q21.3.
Variant type: single nucleotide variant.
Coding change: c.67C>T on transcript NM_000236.3 (MANE Select); coding-DNA position 67, C replaced by T.
Protein change: p.Leu23Phe; replaces leucine 23 with phenylalanine.
Molecular consequence: missense variant.
Genome position (GRCh38, 1-based): chr15:58,432,099, C>T. VCF-style: chr15-58432099-C-T. GRCh37 (hg19) VCF-style: chr15-58724298-C-T.
Other names: short protein forms L23F.
Identifiers: ClinVar variation 886947 (VCV000886947.23), dbSNP rs145398861, ClinGen allele CA7584675.

ClinVar aggregate classification (germline): Conflicting classifications of pathogenicity. Review status: criteria provided, conflicting classifications (1 of 4 stars). 4 submissions from 4 submitters: Uncertain significance (3); Likely benign (1). Last evaluated 2025-08-11.

Conditions:
Hyperlipidemia due to hepatic triglyceride lipase deficiency. Also called: LIPC DEFICIENCY. Identifiers: Orphanet 140905, MedGen C3151466, MONDO:0013533, OMIM 614025.

Allele frequency attached by ClinVar (database versions not stated): gnomAD exomes 0.00006; ExAC 0.00007; gnomAD 0.00034 and 0.00038; TOPMed 0.00042; 1000 Genomes Project 30x 0.00047; 1000 Genomes Project 0.00060.
gnomAD v4.1: 180 of 1,613,624 alleles (0.011%); highest among the groups gnomAD compares: African/African-American, 0.18%; 1 homozygote.

Submissions (4):

Labcorp Genetics (formerly Invitae), Labcorp
Classification: Uncertain significance. Last evaluated: 2025-08-11. Review status: criteria provided, single submitter. Criteria: Invitae Variant Classification Sherloc (09022015). Collection method: clinical testing. Allele origin: germline.
Comment: This sequence change replaces leucine, which is neutral and non-polar, with phenylalanine, which is neutral and non-polar, at codon 23 of the LIPC protein (p.Leu23Phe). This variant is present in population databases (rs145398861, gnomAD 0.08%), and has an allele count higher than expected for a pathogenic variant. This missense change has been observed in individual(s) with dyslipidemia (PMID: 36325899). ClinVar contains an entry for this variant (Variation ID: 886947). An algorithm developed to predict the effect of missense changes on protein structure and function (PolyPhen-2) suggests that this variant is likely to be tolerated. In summary, the available evidence is currently insufficient to determine the role of this variant in disease. Therefore, it has been classified as a Variant of Uncertain Significance.

CeGaT Center for Human Genetics Tuebingen
Classification: Likely benign. Last evaluated: 2024-09-01. Review status: criteria provided, single submitter. Criteria: CeGaT Center For Human Genetics Tuebingen Variant Classification Criteria Version 2. Collection method: clinical testing. Allele origin: germline. Affected: yes. Observed: 1 variant allele.
Comment: LIPC: BP4

Illumina Laboratory Services, Illumina
Classification: Uncertain significance for Hyperlipidemia due to hepatic triglyceride lipase deficiency. Last evaluated: 2017-04-27. Review status: criteria provided, single submitter. Criteria: ICSL Variant Classification Criteria 13 December 2019. Collection method: clinical testing. Allele origin: germline.

Breakthrough Genomics
Classification: Uncertain significance. Review status: criteria provided, single submitter. Criteria: ACMG Guidelines, 2015. Collection method: not provided. Allele origin: germline. Inheritance: Autosomal recessive inheritance. Affected: yes.

Literature cited by the submitters: PubMed 36325899 (cited by Labcorp Genetics (formerly Invitae), Labcorp).